The following is an entry in ClinVar:

ClinVar aggregate classification (germline): Uncertain significance. Review status: criteria provided, multiple submitters, no conflicts (2 of 4 stars). 2 submissions from 2 submitters: Uncertain significance (2). Last evaluated 2025-02-04.

Allele frequency attached by ClinVar (database versions not stated): gnomAD exomes 0.00001; TOPMed 0.00001; ExAC 0.00002.
gnomAD v4.1: 12 of 1,613,592 alleles (0.00074%); highest among the groups gnomAD compares: South Asian, 0.0099%; no homozygotes.

Submissions (2):

Labcorp Genetics (formerly Invitae), Labcorp
Classification: Uncertain significance. Last evaluated: 2025-02-04. Review status: criteria provided, single submitter. Criteria: Invitae Variant Classification Sherloc (09022015). Collection method: clinical testing. Allele origin: germline.
Comment: This sequence change replaces glutamic acid, which is acidic and polar, with lysine, which is basic and polar, at codon 423 of the MYLK3 protein (p.Glu423Lys). This variant is present in population databases (rs750581071, gnomAD 0.02%). This variant has not been reported in the literature in individuals affected with MYLK3-related conditions. ClinVar contains an entry for this variant (Variation ID: 2192803). An algorithm developed to predict the effect of missense changes on protein structure and function outputs the following: PolyPhen-2: "Benign". The lysine amino acid residue is found in multiple mammalian species, which suggests that this missense change does not adversely affect protein function. In summary, the available evidence is currently insufficient to determine the role of this variant in disease. Therefore, it has been classified as a Variant of Uncertain Significance.

Ambry Genetics
Classification: Uncertain significance. Last evaluated: 2023-01-10. Review status: criteria provided, single submitter. Criteria: Ambry Variant Classification Scheme 2023. Collection method: clinical testing. Allele origin: germline.

NM_182493.3(MYLK3):c.1267G>A (p.Glu423Lys)

Gene: MYLK3 (myosin light chain kinase 3; minus strand). Cytogenetic location: 16q11.2.
Variant type: single nucleotide variant.
Coding change: c.1267G>A on transcript NM_182493.3 (MANE Select); coding-DNA position 1267, G replaced by A.
Protein change: p.Glu423Lys; replaces glutamic acid 423 with lysine.
Molecular consequence: missense variant.
Genome position (GRCh38, 1-based): chr16:46,732,403, C>T on the plus strand (G>A on the coding strand, the complement: MYLK3 is on the minus strand). VCF-style: chr16-46732403-C-T. GRCh37 (hg19) VCF-style: chr16-46766315-C-T.
Other names: c.244G>A, p.Glu82Lys (NM_001308301.1); c.1267G>A (NM_182493.2); short protein forms E82K, E423K.
Identifiers: ClinVar variation 2192803 (VCV002192803.6), dbSNP rs750581071, ClinGen allele CA8038033.